The following is an entry in ClinVar:

NM_016194.4(GNB5):c.811G>A (p.Gly271Ser)

Gene: GNB5 (G protein subunit beta 5; minus strand). Cytogenetic location: 15q21.2.
Variant type: single nucleotide variant.
Coding change: c.811G>A on transcript NM_016194.4 (MANE Select); coding-DNA position 811, G replaced by A.
Protein change: p.Gly271Ser; replaces glycine 271 with serine.
Molecular consequence: missense variant.
Genome position (GRCh38, 1-based): chr15:52,133,430, C>T on the plus strand (G>A on the coding strand, the complement: GNB5 is on the minus strand). VCF-style: chr15-52133430-C-T. GRCh37 (hg19) VCF-style: chr15-52425627-C-T.
Other names: c.811G>A (NM_016194.3); c.529G>A, p.Gly177Ser (NM_001379343.1); c.685G>A, p.Gly229Ser (NM_006578.4); short protein forms G177S, G229S, G271S.
Identifiers: ClinVar variation 4076479 (VCV004076479.2), dbSNP rs367720003.

ClinVar aggregate classification (germline): Uncertain significance. Review status: criteria provided, multiple submitters, no conflicts (2 of 4 stars). 2 submissions from 2 submitters: Uncertain significance (2). Last evaluated 2025-07-24.

Conditions:
Cardiovascular phenotype. Identifiers: MedGen CN230736.
Inborn genetic diseases. Identifiers: MedGen C0950123, MeSH D030342.

gnomAD v4.1: 97 of 1,613,326 alleles (0.006%); highest among the groups gnomAD compares: Non-Finnish European, 0.0075%; no homozygotes.

Submissions (2):

Molecular Diagnostic Laboratory for Inherited Cardiovascular Disease, Montreal Heart Institute
Classification: Uncertain significance for Cardiovascular phenotype. Last evaluated: 2025-07-24. Review status: criteria provided, single submitter. Criteria: ACMG Guidelines, 2015. Collection method: clinical testing. Allele origin: germline. Affected: yes.
Comment: PM2

Ambry Genetics
Classification: Uncertain significance for Inborn genetic diseases. Last evaluated: 2025-07-22. Review status: criteria provided, single submitter. Criteria: Ambry Variant Classification Scheme 2023. Collection method: clinical testing. Allele origin: germline.